The following is an entry in ClinVar:

ClinVar aggregate classification (germline): Uncertain significance (1 of 4 stars; one submission).

Conditions:
PHGDH deficiency. Identifiers: Orphanet 79351, MedGen C1866174, MONDO:0011152, OMIM 601815.

Allele frequency attached by ClinVar (database versions not stated): gnomAD exomes below 0.00001; ExAC 0.00001.
gnomAD v4.1: 2 of 1,614,096 alleles (0.00012%); highest among the groups gnomAD compares: Admixed American, 0.0033%; no homozygotes.

Submission:

Labcorp Genetics (formerly Invitae), Labcorp
Classification: Uncertain significance for PHGDH deficiency. Last evaluated: 2022-02-17. Review status: criteria provided, single submitter. Criteria: Invitae Variant Classification Sherloc (09022015). Collection method: clinical testing. Allele origin: germline.
Comment: This sequence change replaces glycine, which is neutral and non-polar, with arginine, which is basic and polar, at codon 27 of the PHGDH protein (p.Gly27Arg). This variant is not present in population databases (gnomAD no frequency). This variant has not been reported in the literature in individuals affected with PHGDH-related conditions. Algorithms developed to predict the effect of missense changes on protein structure and function are either unavailable or do not agree on the potential impact of this missense change (SIFT: "Deleterious"; PolyPhen-2: "Probably Damaging"; Align-GVGD: "Class C15"). In summary, the available evidence is currently insufficient to determine the role of this variant in disease. Therefore, it has been classified as a Variant of Uncertain Significance.

NM_006623.4(PHGDH):c.79G>C (p.Gly27Arg)

Gene: PHGDH (phosphoglycerate dehydrogenase; plus strand). Cytogenetic location: 1p12.
Variant type: single nucleotide variant.
Coding change: c.79G>C on transcript NM_006623.4 (MANE Select); coding-DNA position 79, G replaced by C.
Protein change: p.Gly27Arg; replaces glycine 27 with arginine.
Molecular consequence: missense variant.
Genome position (GRCh38, 1-based): chr1:119,712,101, G>C. VCF-style: chr1-119712101-G-C. GRCh37 (hg19) VCF-style: chr1-120254724-G-C.
Other names: short protein forms G27R.
Identifiers: ClinVar variation 1520914 (VCV001520914.5), dbSNP rs755568069, ClinGen allele CA1036911.
Genomic context (GRCh38, chr1:119,712,101, plus strand): 5'-CGGAAAGTGCTCATCAGTGACAGCCTGGACCCTTGCTGCCGGAAGATCTTGCAAGATGGA[G>C]GGCTGCAGGTGGTGGAAAAGCAGAACCTTAGCAAAGAGGAGCTGATAGCGGAGCTGCAGG-3'
Protein context (NP_006614.2, residues 17-37): PCCRKILQDG[Gly27Arg]LQVVEKQNLS